The following is an entry in ClinVar:

NM_001370466.1(NOD2):c.233C>T (p.Ala78Val)

Gene: NOD2 (nucleotide binding oligomerization domain containing 2; plus strand). Cytogenetic location: 16q12.1.
Variant type: single nucleotide variant.
Coding change: c.233C>T on transcript NM_001370466.1 (MANE Select); coding-DNA position 233, C replaced by T.
Protein change: p.Ala78Val; replaces alanine 78 with valine.
Molecular consequence: missense variant. On other transcripts: non-coding transcript variant (1).
Genome position (GRCh38, 1-based): chr16:50,699,728, C>T. VCF-style: chr16-50699728-C-T. GRCh37 (hg19) VCF-style: chr16-50733639-C-T.
Other names: c.233C>T, p.Ala78Val (NM_001293557.2); c.314C>T, p.Ala105Val (NM_022162.3); c.314C>T (NM_022162.1); short protein forms A105V, A78V.
Identifiers: ClinVar variation 531606 (VCV000531606.20), dbSNP rs202052365, ClinGen allele CA8051250.

ClinVar aggregate classification (germline): Conflicting classifications of pathogenicity. Review status: criteria provided, conflicting classifications (1 of 4 stars). 4 submissions from 4 submitters: Uncertain significance (2); Likely benign (2). Last evaluated 2026-07-01.

Conditions:
Inborn genetic diseases. Identifiers: MedGen C0950123, MeSH D030342.
Autoinflammatory syndrome. Identifiers: Orphanet 93665, MedGen C3890737, MONDO:0019751.
Regional enteritis. Also called: Enteritis, Granulomatous. Identifiers: MedGen C0678202, MeSH D003424.
Blau syndrome (BLAUS). Also called: GRANULOMATOSIS, FAMILIAL JUVENILE SYSTEMIC; GRANULOMATOSIS, FAMILIAL, BLAU TYPE; GRANULOMATOUS INFLAMMATORY ARTHRITIS, DERMATITIS, AND UVEITIS, FAMILIAL; JABS SYNDROME; ARTHROCUTANEOUVEAL GRANULOMATOSIS. Identifiers: Orphanet 90340, MedGen C5201146, MONDO:0008523, OMIM 186580.

Allele frequency attached by ClinVar (database versions not stated): ExAC 0.00007; ESP Exome Variant Server 0.00008; gnomAD 0.00010 and 0.00011; TOPMed 0.00010; gnomAD exomes 0.00012.
gnomAD v4.1: 192 of 1,613,988 alleles (0.012%); highest among the groups gnomAD compares: Non-Finnish European, 0.016%; no homozygotes.

Submissions (4):

CeGaT Center for Human Genetics Tuebingen
Classification: Likely benign. Last evaluated: 2026-07-01. Review status: criteria provided, single submitter. Criteria: CeGaT Center For Human Genetics Tuebingen Variant Classification Criteria Version 2. Collection method: clinical testing. Allele origin: germline. Affected: yes. Observed: 2 variant alleles.
Comment: NOD2: BP4, BS2

Labcorp Genetics (formerly Invitae), Labcorp
Classification: Likely benign for Regional enteritis; Blau syndrome. Last evaluated: 2026-01-26. Review status: criteria provided, single submitter. Criteria: Invitae Variant Classification Sherloc (09022015). Collection method: clinical testing. Allele origin: germline.

Ambry Genetics
Classification: Uncertain significance for Inborn genetic diseases. Last evaluated: 2024-08-19. Review status: criteria provided, single submitter. Criteria: Ambry Variant Classification Scheme 2023. Collection method: clinical testing. Allele origin: germline.

Genome Diagnostics Laboratory, The Hospital for Sick Children
Classification: Uncertain significance for Autoinflammatory syndrome. Last evaluated: 2020-03-01. Review status: criteria provided, single submitter. Criteria: ACMG Guidelines, 2015. Collection method: clinical testing. Allele origin: germline. Affected: yes.